The following is an entry in ClinVar:

NM_033004.4(NLRP1):c.1536G>C (p.Glu512Asp)

Gene: NLRP1 (NLR family pyrin domain containing 1; minus strand). Cytogenetic location: 17p13.2.
Variant type: single nucleotide variant.
Coding change: c.1536G>C on transcript NM_033004.4 (MANE Select); coding-DNA position 1536, G replaced by C.
Protein change: p.Glu512Asp; replaces glutamic acid 512 with aspartic acid.
Molecular consequence: missense variant.
Genome position (GRCh38, 1-based): chr17:5,559,160, C>G on the plus strand (G>C on the coding strand, the complement: NLRP1 is on the minus strand). VCF-style: chr17-5559160-C-G. GRCh37 (hg19) VCF-style: chr17-5462480-C-G.
Other names: c.1536G>C, p.Glu512Asp (NM_001033053.3, NM_014922.5, NM_033006.4 and 1 more transcripts); c.1536G>C (NM_033004.3); short protein forms E512D.
Identifiers: ClinVar variation 1521003 (VCV001521003.7), dbSNP rs201206257, ClinGen allele CA287268298.
Genomic context (GRCh38, chr17:5,559,160, plus strand): 5'-CTGCATCAGGCAAGTGCAGGCCAGCCAGGACACCCAGGGCACAAGACACAGGGCCCAGAG[C>G]TCTTTGTTTGATTTGACCAACCTAAAGGCTCTAATTGCTTGCCTTTCATCTGTGAAATAT-3'
Protein context (NP_127497.1, residues 502-522): RAFRLVKSNK[Glu512Asp]LWALCLVPWV

ClinVar aggregate classification (germline): Uncertain significance. Review status: criteria provided, multiple submitters, no conflicts (2 of 4 stars). 2 submissions from 2 submitters: Uncertain significance (2). Last evaluated 2022-08-02.

Conditions:
Inborn genetic diseases. Identifiers: MedGen C0950123, MeSH D030342.

Allele frequency attached by ClinVar (database versions not stated): gnomAD exomes below 0.00001 and 0.00003; gnomAD 0.00001; TOPMed 0.00001.
gnomAD v4.1: 43 of 1,614,072 alleles (0.0027%); highest among the groups gnomAD compares: Non-Finnish European, 0.0036%; no homozygotes.

Submissions (2):

Ambry Genetics
Classification: Uncertain significance for Inborn genetic diseases. Last evaluated: 2022-08-02. Review status: criteria provided, single submitter. Criteria: Ambry Variant Classification Scheme 2023. Collection method: clinical testing. Allele origin: germline.

Labcorp Genetics (formerly Invitae), Labcorp
Classification: Uncertain significance. Last evaluated: 2021-10-29. Review status: criteria provided, single submitter. Criteria: Invitae Variant Classification Sherloc (09022015). Collection method: clinical testing. Allele origin: germline.
Comment: Algorithms developed to predict the effect of missense changes on protein structure and function (SIFT, PolyPhen-2, Align-GVGD) all suggest that this variant is likely to be tolerated. In summary, the available evidence is currently insufficient to determine the role of this variant in disease. Therefore, it has been classified as a Variant of Uncertain Significance. This variant has not been reported in the literature in individuals affected with NLRP1-related conditions. This variant is present in population databases (rs201206257, gnomAD 0.0009%). This sequence change replaces glutamic acid, which is acidic and polar, with aspartic acid, which is acidic and polar, at codon 512 of the NLRP1 protein (p.Glu512Asp).